The following is an entry in ClinVar:

NM_014444.5(TUBGCP4):c.1324C>T (p.Arg442Trp)

Gene: TUBGCP4 (tubulin gamma complex component 4; plus strand). Cytogenetic location: 15q15.3.
Variant type: single nucleotide variant.
Coding change: c.1324C>T on transcript NM_014444.5 (MANE Select); coding-DNA position 1324, C replaced by T.
Protein change: p.Arg442Trp; replaces arginine 442 with tryptophan.
Molecular consequence: missense variant.
Genome position (GRCh38, 1-based): chr15:43,398,085, C>T. VCF-style: chr15-43398085-C-T. GRCh37 (hg19) VCF-style: chr15-43690283-C-T.
Other names: c.1327C>T, p.Arg443Trp (NM_001286414.3); short protein forms R442W, R443W.
Identifiers: ClinVar variation 1514796 (VCV001514796.8), dbSNP rs1323803781, ClinGen allele CA392132959.

ClinVar aggregate classification (germline): Uncertain significance (1 of 4 stars; one submission).

Allele frequency attached by ClinVar (database versions not stated): gnomAD 0.00001; gnomAD exomes 0.00001; TOPMed 0.00001.
gnomAD v4.1: 14 of 1,614,004 alleles (0.00087%); highest among the groups gnomAD compares: East Asian, 0.018%; no homozygotes.

Submission:

Labcorp Genetics (formerly Invitae), Labcorp
Classification: Uncertain significance. Last evaluated: 2023-08-30. Review status: criteria provided, single submitter. Criteria: Invitae Variant Classification Sherloc (09022015). Collection method: clinical testing. Allele origin: germline.
Comment: In summary, the available evidence is currently insufficient to determine the role of this variant in disease. Therefore, it has been classified as a Variant of Uncertain Significance. ClinVar contains an entry for this variant (Variation ID: 1514796). This sequence change replaces arginine, which is basic and polar, with tryptophan, which is neutral and slightly polar, at codon 443 of the TUBGCP4 protein (p.Arg443Trp). This variant is not present in population databases (gnomAD no frequency). This variant has not been reported in the literature in individuals affected with TUBGCP4-related conditions. Advanced modeling of protein sequence and biophysical properties (such as structural, functional, and spatial information, amino acid conservation, physicochemical variation, residue mobility, and thermodynamic stability) performed at Invitae indicates that this missense variant is not expected to disrupt TUBGCP4 protein function.